The following is an entry in ClinVar:

ClinVar aggregate classification (germline): Pathogenic (1 of 4 stars; one submission).

Conditions:
Ataxia-telangiectasia syndrome (AT). Also called: Ataxia-telangiectasia, complementation group D; AT, COMPLEMENTATION GROUP C; Ataxia telangiectasia (A-T); Cerebello-oculocutaneous telangiectasia; Immunodeficiency with ataxia telangiectasia; Ataxia-telangiectasia. Identifiers: Orphanet 100, MedGen C0004135, MONDO:0008840, OMIM 208900.

Submission:

Labcorp Genetics (formerly Invitae), Labcorp
Classification: Pathogenic for Ataxia-telangiectasia syndrome. Last evaluated: 2019-02-05. Review status: criteria provided, single submitter. Criteria: Invitae Variant Classification Sherloc (09022015). Collection method: clinical testing. Allele origin: germline.
Comment: For these reasons, this variant has been classified as Pathogenic. Loss-of-function variants in ATM are known to be pathogenic (PMID: 23807571, 25614872). This variant has not been reported in the literature in individuals with ATM-related conditions. This variant is not present in population databases (ExAC no frequency). This sequence change creates a premature translational stop signal (p.Asn704Thrfs*30) in the ATM gene. It is expected to result in an absent or disrupted protein product.

Literature cited by the submitters: PubMed 23807571; PubMed 25614872.

NM_000051.4(ATM):c.2111_2114del (p.Asn704fs)

Gene: ATM (ATM serine/threonine kinase; plus strand). Cytogenetic location: 11q22.3.
Variant type: Deletion.
Coding change: c.2111_2114del on transcript NM_000051.4 (MANE Select); coding-DNA positions 2111 to 2114, 4 bases deleted (ATTA; older notation c.2111_2114delATTA).
Protein change: p.Asn704fs; shifts the reading frame from asparagine 704.
Molecular consequence: frameshift variant.
Genome position (GRCh38, 1-based): chr11:108,254,026-108,254,029, ATTA deleted; deleting any 4 consecutive bases within chr11:108,254,024-108,254,029 gives the same sequence; the c. name uses the placement nearest the transcript's 3' end. VCF-style (leftmost placement, unchanged base first): chr11-108254023-ATAAT-A. GRCh37 (hg19) VCF-style: chr11-108124750-ATAAT-A.
Other names: c.2111_2114del, p.Asn704fs (NM_001351834.2); short protein forms N704fs.
Identifiers: ClinVar variation 842655 (VCV000842655.7), dbSNP rs2080316641, ClinGen allele CA916080458.
Genomic context (GRCh38, chr11:108,254,023, plus strand): 5'-ACCAGAATCTCAAGGAATCACTGGATCGCTGTCTTCTGGGATTATCAGAACAGCTTCTGA[ATAAT>A]TACTCATCTGAGGTGAGATTTTTTAAAAAAAGAACTAAGCTTATATATGATTCAACTTTG-3'